The following is an entry in ClinVar:

ClinVar aggregate classification (germline): Likely pathogenic (1 of 4 stars; one submission).

Conditions:
Fabry disease. Also called: GLA DEFICIENCY; HEREDITARY DYSTOPIC LIPIDOSIS; Fabry's disease; Angiokeratoma corporis diffusum; ALPHA-GALACTOSIDASE A DEFICIENCY; ANDERSON-FABRY DISEASE. Identifiers: Orphanet 324, MedGen C0002986, MONDO:0010526, OMIM 301500, HP:0001071. Disease mechanism: loss of function, Fabry disease is due to inactivating mutations in the X-linked GLA gene resulting in deficiency of the enzyme Alpha Galactosidase-A..

Submission:

Labcorp Genetics (formerly Invitae), Labcorp
Classification: Likely pathogenic for Fabry disease. Last evaluated: 2018-07-04. Review status: criteria provided, single submitter. Criteria: Invitae Variant Classification Sherloc (09022015). Collection method: clinical testing. Allele origin: germline.
Comment: This variant is not present in population databases (ExAC no frequency). This sequence change replaces glutamine with lysine at codon 250 of the GLA protein (p.Gln250Lys). The glutamine residue is highly conserved and there is a small physicochemical difference between glutamine and lysine. In summary, the currently available evidence indicates that the variant is pathogenic, but additional data are needed to prove that conclusively. Therefore, this variant has been classified as Likely Pathogenic. The p.Gln250 amino acid residue in GLA has been determined to be clinically significant (PMID: 18555667, Invitae). This suggests that variants that disrupt this residue are likely to be causative of disease. Algorithms developed to predict the effect of missense changes on protein structure and function (SIFT, PolyPhen-2, Align-GVGD) all suggest that this variant is likely to be disruptive, but these predictions have not been confirmed by published functional studies and their clinical significance is uncertain.

Literature cited by the submitters: PubMed 18555667.

NM_000169.3(GLA):c.748C>A (p.Gln250Lys)

Genes: RPL36A-HNRNPH2 (RPL36A-HNRNPH2 readthrough; plus strand), GLA (galactosidase alpha; minus strand). Cytogenetic location: Xq22.1.
Variant type: single nucleotide variant.
Coding change: c.748C>A on transcript NM_000169.3 (MANE Select); coding-DNA position 748, C replaced by A.
Protein change: p.Gln250Lys; replaces glutamine 250 with lysine.
Molecular consequence: missense variant. On other transcripts: non-coding transcript variant (3), intron variant (2).
Genome position (GRCh38, 1-based): chrX:101,398,838, G>T on the plus strand (C>A on the coding strand, the complement: GLA is on the minus strand). VCF-style: chrX-101398838-G-T. GRCh37 (hg19) VCF-style: chrX-100653826-G-T.
Other names: c.871C>A, p.Gln291Lys (NM_001406747.1); c.748C>A, p.Gln250Lys (NM_001406748.1); c.300+3381G>T (NM_001199973.2); c.177+7016G>T (NM_001199974.2); short protein forms Q250K, Q291K.
Identifiers: ClinVar variation 570948 (VCV000570948.10), dbSNP rs398123221, ClinGen allele CA413924223.
Genomic context (GRCh38, chrX:101,398,838, plus strand): 5'-TTTTTACCATATCTGGGTCATTCCAACCCCCTGGTCCAGCAACATCAACAATTCTCTCCT[G>T]GTTAAAAGATGTCCAGTCCAAGATACTCTTTATACTTTTCCAGGAATCATCAATGTCAGC-3'
Protein context (NP_000160.1, residues 240-260): KSILDWTSFN[Gln250Lys]ERIVDVAGPG